The following is an entry in ClinVar:

NM_002506.3(NGF):c.680C>A (p.Thr227Lys)

Genes: NGF (nerve growth factor; minus strand), NGF-AS1 (NGF antisense RNA 1; plus strand). Cytogenetic location: 1p13.2.
Variant type: single nucleotide variant.
Coding change: c.680C>A on transcript NM_002506.3 (MANE Select); coding-DNA position 680, C replaced by A.
Protein change: p.Thr227Lys; replaces threonine 227 with lysine.
Molecular consequence: missense variant.
Genome position (GRCh38, 1-based): chr1:115,286,116, G>T on the plus strand (C>A on the coding strand, the complement: NGF is on the minus strand). VCF-style: chr1-115286116-G-T. GRCh37 (hg19) VCF-style: chr1-115828737-G-T.
Other names: short protein forms T227K.
Identifiers: ClinVar variation 637470 (VCV000637470.9), dbSNP rs1326012011, ClinGen allele CA341836013.

ClinVar aggregate classification (germline): Uncertain significance. Review status: criteria provided, single submitter (1 of 4 stars). 2 submissions from 2 submitters: Uncertain significance (1). 1 of the submissions does not count toward it. Last evaluated 2019-01-25.

Conditions:
Charcot-Marie-Tooth disease. Also called: Charcot-Marie-Tooth Hereditary Neuropathy; Charcot-Marie-Tooth Neuropathy. Identifiers: Orphanet 166, MedGen C0007959, MONDO:0015626.
Congenital sensory neuropathy with selective loss of small myelinated fibers (HSAN5). Also called: HSAN Type V. Identifiers: Orphanet 64752, MedGen C0020075, MONDO:0012092, OMIM 608654.

gnomAD v4.1: 2 of 1,613,542 alleles (0.00012%); highest among the groups gnomAD compares: Non-Finnish European, 0.00017%; no homozygotes.

Submissions (2):

Labcorp Genetics (formerly Invitae), Labcorp
Classification: Uncertain significance for Congenital sensory neuropathy with selective loss of small myelinated fibers. Last evaluated: 2019-01-25. Review status: criteria provided, single submitter. Criteria: Invitae Variant Classification Sherloc (09022015). Collection method: clinical testing. Allele origin: germline.
Comment: In summary, the available evidence is currently insufficient to determine the role of this variant in disease. Therefore, it has been classified as a Variant of Uncertain Significance. Algorithms developed to predict the effect of missense changes on protein structure and function are either unavailable or do not agree on the potential impact of this missense change (SIFT: "Deleterious"; PolyPhen-2: "Probably Damaging"; Align-GVGD: "Class C0"). This variant has not been reported in the literature in individuals with NGF-related conditions. This variant is not present in population databases (ExAC no frequency). This sequence change replaces threonine with lysine at codon 227 of the NGF protein (p.Thr227Lys). The threonine residue is highly conserved and there is a moderate physicochemical difference between threonine and lysine.

Inherited Neuropathy Consortium
Classification: Uncertain significance for Charcot-Marie-Tooth disease. Review status: no assertion criteria provided. Collection method: literature only. Allele origin: germline. Affected: yes. Not counted in ClinVar's aggregate classification.

Literature cited by the submitters: PubMed 20978020 (cited by Inherited Neuropathy Consortium).